The following is an entry in ClinVar:

NM_006648.4(WNK2):c.5501G>T (p.Gly1834Val)

Gene: WNK2 (WNK lysine deficient protein kinase 2; plus strand). Cytogenetic location: 9q22.31.
Variant type: single nucleotide variant.
Coding change: c.5501G>T on transcript NM_006648.4 (MANE Select); coding-DNA position 5501, G replaced by T.
Protein change: p.Gly1834Val; replaces glycine 1834 with valine.
Molecular consequence: missense variant.
Genome position (GRCh38, 1-based): chr9:93,292,966, G>T. VCF-style: chr9-93292966-G-T. GRCh37 (hg19) VCF-style: chr9-96055248-G-T.
Other names: c.5612G>T, p.Gly1871Val (NM_001282394.3); short protein forms G1871V, G1834V.
Identifiers: ClinVar variation 4201549 (VCV004201549.1).

ClinVar aggregate classification (germline): Uncertain significance (1 of 4 stars; one submission).

Submission:

Ambry Genetics
Classification: Uncertain significance. Last evaluated: 2025-06-24. Review status: criteria provided, single submitter. Criteria: Ambry Variant Classification Scheme 2023. Collection method: clinical testing. Allele origin: germline.
Comment: The p.G1834V variant (also known as c.5501G>T), located in coding exon 22 of the WNK2 gene, results from a G to T substitution at nucleotide position 5501. The glycine at codon 1834 is replaced by valine, an amino acid with dissimilar properties. This amino acid position is conserved. In addition, this alteration is predicted to be tolerated by in silico analysis. Based on the available evidence, the clinical significance of this variant remains unclear.